The following is an entry in ClinVar:

ClinVar aggregate classification (germline): Uncertain significance. Review status: criteria provided, multiple submitters, no conflicts (2 of 4 stars). 7 submissions from 7 submitters: Uncertain significance (6). 1 of the submissions does not count toward it. Last evaluated 2025-03-10.

Conditions:
Cystic fibrosis (CF). Also called: MUCOVISCIDOSIS. Identifiers: Orphanet 586, MedGen C0010674, MONDO:0009061, OMIM 219700. Disease mechanism: loss of function.
CFTR-related disorder (CFTR-RD). Also called: CFTR-related disorders; CFTR-related condition. Identifiers: MedGen C5924204, MONDO:7770004.

Allele frequency attached by ClinVar (database versions not stated): TOPMed 0.00002; gnomAD exomes 0.00003 and 0.00002; gnomAD 0.00001; ExAC 0.00003.

Submissions (7):

Women's Health and Genetics/Laboratory Corporation of America, LabCorp
Classification: Uncertain significance. Last evaluated: 2025-03-10. Review status: criteria provided, single submitter. Criteria: LabCorp Variant Classification Summary - May 2015. Collection method: clinical testing. Allele origin: germline.
Comment: Variant summary: CFTR c.3895A>G (p.Thr1299Ala) results in a non-conservative amino acid change in the encoded protein sequence. Five of five in-silico tools predict a damaging effect of the variant on protein function. The variant allele was found at a frequency of 1.6e-05 in 249054 control chromosomes. The available data on variant occurrences in the general population are insufficient to allow any conclusion about variant significance. c.3895A>G has been reported in the literature in one individual affected with Chronic Pancreatitis, co-occurring with a pathogenic variant (SPINK1 c.101A>G, p.Asn34Ser), which provided supporting evidence for a benign role (Jones_2020). To our knowledge, no experimental evidence demonstrating an impact on protein function has been reported. The following publication have been ascertained in the context of this evaluation (PMID: 33097431). ClinVar contains an entry for this variant (Variation ID: 598646). Based on the evidence outlined above, the variant was classified as uncertain significance.

ARUP Laboratories, Molecular Genetics and Genomics, ARUP Laboratories
Classification: Uncertain significance. Last evaluated: 2025-01-27. Review status: criteria provided, single submitter. Criteria: ARUP Molecular Germline Variant Investigation Process 2024. Collection method: clinical testing. Allele origin: germline.
Comment: The CFTR c.3895A>G; p.Thr1299Ala variant (rs750604866, ClinVar Variation ID: 598646) has been reported in the literature in one individual with chronic pancreatitis, co-occurring with a SPINK1 variant (Jones 2020). The p.Thr1299Ala variant is only observed on four alleles in the Genome Aggregation Database (v2.1.1), indicating it is not a common polymorphism. Additionally, another amino acid substitution at this codon (c.3896C>T; p.Thr1299Ile) has been reported in multiple individuals with diagnosis or suspicion of cystic fibrosis or a CFTR-related disorder and is considered disease-causing (Alonso 2007, Liechti-Gallati S 1999, Minso 2020, Ooi 2015, Rock 2005). Computational analyses predict that the CFTR c.3895A>G; p.Thr1299Ala variant is deleterious (REVEL: 0.868). Due to limited information, the clinical significance of this variant is uncertain at this time. References: Alonso MJ et al. Spectrum of mutations in the CFTR gene in cystic fibrosis patients of Spanish ancestry. Ann Hum Genet. 2007 Mar;71(Pt 2):194-201. PMID: 17331079. Jones TE et al. The histopathology of SPINK1-associated chronic pancreatitis. Pancreatology. 2020 Dec;20(8):1648-1655. PMID: 33097431. Liechti-Gallati S et al. Two buffer PAGE system-based SSCP/HD analysis: a general protocol for rapid and sensitive mutation screening in cystic fibrosis and any other human genetic disease. Eur J Hum Genet. 1999 Jul;7(5):590-8. PMID: 10439967. Minso R et al. Intestinal current measurement and nasal potential difference to make a diagnosis of cases with inconclusive CFTR genetics and sweat test. BMJ Open Respir Res. 2020 Oct;7(1):e000736. PMID: 33020115. Ooi CY et al. Inconclusive diagnosis of cystic fibrosis after newborn screening. Pediatrics. 2015 Jun;135(6):e1377-85. PMID: 25963003. Rock MJ et al. Newborn screening for cystic fibrosis in Wisconsin: nine-year experience with routine trypsinogen/DNA testing. J Pediatr. 2005 Sep;147(3 Suppl):S73-7. PMID: 16202788

Ambry Genetics
Classification: Uncertain significance for Cystic fibrosis. Last evaluated: 2023-05-18. Review status: criteria provided, single submitter. Criteria: Ambry Variant Classification Scheme 2023. Collection method: clinical testing. Allele origin: germline.
Comment: The p.T1299A variant (also known as c.3895A>G), located in coding exon 24 of the CFTR gene, results from an A to G substitution at nucleotide position 3895. The threonine at codon 1299 is replaced by alanine, an amino acid with similar properties. This amino acid position is well conserved in available vertebrate species. In addition, this alteration is predicted to be deleterious by in silico analysis. Since supporting evidence is limited at this time, the clinical significance of this alteration remains unclear.

Labcorp Genetics (formerly Invitae), Labcorp
Classification: Uncertain significance for Cystic fibrosis. Last evaluated: 2022-02-20. Review status: criteria provided, single submitter. Criteria: Invitae Variant Classification Sherloc (09022015). Collection method: clinical testing. Allele origin: germline.
Comment: This sequence change replaces threonine, which is neutral and polar, with alanine, which is neutral and non-polar, at codon 1299 of the CFTR protein (p.Thr1299Ala). This variant is present in population databases (rs750604866, gnomAD 0.004%). This variant has not been reported in the literature in individuals affected with CFTR-related conditions. ClinVar contains an entry for this variant (Variation ID: 598646). Algorithms developed to predict the effect of missense changes on protein structure and function (SIFT, PolyPhen-2, Align-GVGD) all suggest that this variant is likely to be tolerated. In summary, the available evidence is currently insufficient to determine the role of this variant in disease. Therefore, it has been classified as a Variant of Uncertain Significance.

Genome-Nilou Lab
Classification: Uncertain significance for Cystic fibrosis. Last evaluated: 2021-09-05. Review status: criteria provided, single submitter. Criteria: ACMG Guidelines, 2015. Collection method: clinical testing. Allele origin: germline. Affected: no.

Eurofins Ntd Llc (ga)
Classification: Uncertain significance. Last evaluated: 2018-09-06. Review status: criteria provided, single submitter. Criteria: EGL ClinVar v180209 classification definitions. Collection method: clinical testing. Allele origin: germline. Observed: 1 variant allele, 1 heterozygote.

Natera, Inc.
Classification: Uncertain significance for CFTR-related disorders. Last evaluated: 2018-10-30. Review status: no assertion criteria provided. Collection method: clinical testing. Allele origin: germline. Not counted in ClinVar's aggregate classification.

Literature cited by the submitters: PubMed 33097431 (cited by Women's Health and Genetics/Laboratory Corporation of America, LabCorp).

NM_000492.4(CFTR):c.3895A>G (p.Thr1299Ala)

Gene: CFTR (CF transmembrane conductance regulator; plus strand). Cytogenetic location: 7q31.2.
Variant type: single nucleotide variant.
Coding change: c.3895A>G on transcript NM_000492.4 (MANE Select); coding-DNA position 3895, A replaced by G.
Protein change: p.Thr1299Ala; replaces threonine 1299 with alanine.
Molecular consequence: missense variant.
Genome position (GRCh38, 1-based): chr7:117,652,863, A>G. VCF-style: chr7-117652863-A-G. GRCh37 (hg19) VCF-style: chr7-117292917-A-G.
Other names: short protein forms T1299A.
Identifiers: ClinVar variation 598646 (VCV000598646.13), dbSNP rs750604866, ClinGen allele CA4451579.